The following is an entry in ClinVar:

NM_000252.3(MTM1):c.1423T>C (p.Phe475Leu)

Gene: MTM1 (myotubularin 1; plus strand). Cytogenetic location: Xq28.
Variant type: single nucleotide variant.
Coding change: c.1423T>C on transcript NM_000252.3 (MANE Select); coding-DNA position 1423, T replaced by C.
Protein change: p.Phe475Leu; replaces phenylalanine 475 with leucine.
Molecular consequence: missense variant.
Genome position (GRCh38, 1-based): chrX:150,660,440, T>C. VCF-style: chrX-150660440-T-C. GRCh37 (hg19) VCF-style: chrX-149828913-T-C.
Other names: c.1423T>C, p.Phe475Leu (NM_001376906.1, NM_001376908.1); c.1312T>C, p.Phe438Leu (NM_001376907.1); short protein forms F438L, F475L.
Identifiers: ClinVar variation 1720485 (VCV001720485.6), dbSNP rs2522447406, ClinGen allele CA415259730.

ClinVar aggregate classification (germline): Uncertain significance (1 of 4 stars; one submission).

Conditions:
Severe X-linked myotubular myopathy (CNMX). Also called: X-linked centronuclear myopathy; MYOTUBULAR MYOPATHY 1; Myotubular myopathy, X-linked. Identifiers: Orphanet 596, MedGen C0410203, MONDO:0010683, OMIM 310400.

Submission:

Labcorp Genetics (formerly Invitae), Labcorp
Classification: Uncertain significance for Severe X-linked myotubular myopathy. Last evaluated: 2022-09-29. Review status: criteria provided, single submitter. Criteria: Invitae Variant Classification Sherloc (09022015). Collection method: clinical testing. Allele origin: germline.
Comment: Advanced modeling of protein sequence and biophysical properties (such as structural, functional, and spatial information, amino acid conservation, physicochemical variation, residue mobility, and thermodynamic stability) performed at Invitae indicates that this missense variant is expected to disrupt MTM1 protein function. This variant has not been reported in the literature in individuals affected with MTM1-related conditions. This variant is not present in population databases (gnomAD no frequency). This sequence change replaces phenylalanine, which is neutral and non-polar, with leucine, which is neutral and non-polar, at codon 475 of the MTM1 protein (p.Phe475Leu). In summary, the available evidence is currently insufficient to determine the role of this variant in disease. Therefore, it has been classified as a Variant of Uncertain Significance.